The following is an entry in ClinVar:

ClinVar aggregate classification (germline): Uncertain significance (1 of 4 stars; one submission).

gnomAD v4.1: 1 of 1,613,794 alleles (0.000062%); no homozygotes.

Submission:

Labcorp Genetics (formerly Invitae), Labcorp
Classification: Uncertain significance. Last evaluated: 2025-08-12. Review status: criteria provided, single submitter. Criteria: Invitae Variant Classification Sherloc (09022015). Collection method: clinical testing. Allele origin: germline.
Comment: This sequence change replaces cysteine, which is neutral and slightly polar, with tryptophan, which is neutral and slightly polar, at codon 745 of the SAMD9L protein (p.Cys745Trp). This variant is not present in population databases (gnomAD no frequency). This variant has not been reported in the literature in individuals affected with SAMD9L-related conditions. Invitae Evidence Modeling of protein sequence and biophysical properties (such as structural, functional, and spatial information, amino acid conservation, physicochemical variation, residue mobility, and thermodynamic stability) indicates that this missense variant is expected to disrupt SAMD9L protein function with a positive predictive value of 80%. In summary, the available evidence is currently insufficient to determine the role of this variant in disease. Therefore, it has been classified as a Variant of Uncertain Significance.

NM_152703.5(SAMD9L):c.2235T>G (p.Cys745Trp)

Gene: SAMD9L (sterile alpha motif domain containing 9 like; minus strand). Cytogenetic location: 7q21.2.
Variant type: single nucleotide variant.
Coding change: c.2235T>G on transcript NM_152703.5 (MANE Select); coding-DNA position 2235, T replaced by G.
Protein change: p.Cys745Trp; replaces cysteine 745 with tryptophan.
Molecular consequence: missense variant.
Genome position (GRCh38, 1-based): chr7:93,133,737, A>C on the plus strand (T>G on the coding strand, the complement: SAMD9L is on the minus strand). VCF-style: chr7-93133737-A-C. GRCh37 (hg19) VCF-style: chr7-92763050-A-C.
Other names: c.2235T>G, p.Cys745Trp (NM_001303496.3, NM_001303497.3, NM_001303498.3 and 5 more transcripts); short protein forms C745W.
Identifiers: ClinVar variation 4745998 (VCV004745998.1).